The following is an entry in ClinVar:

NM_001283009.2(RTEL1):c.2027T>C (p.Phe676Ser)

Genes: RTEL1 (regulator of telomere elongation helicase 1; plus strand), RTEL1-TNFRSF6B (RTEL1-TNFRSF6B readthrough (NMD candidate); plus strand). Cytogenetic location: 20q13.33.
Variant type: single nucleotide variant.
Coding change: c.2027T>C on transcript NM_001283009.2 (MANE Select); coding-DNA position 2027, T replaced by C.
Protein change: p.Phe676Ser; replaces phenylalanine 676 with serine.
Molecular consequence: missense variant. On other transcripts: non-coding transcript variant (1).
Genome position (GRCh38, 1-based): chr20:63,689,751, T>C. VCF-style: chr20-63689751-T-C. GRCh37 (hg19) VCF-style: chr20-62321104-T-C.
Other names: c.1358T>C, p.Phe453Ser (NM_001283010.1); c.2027T>C, p.Phe676Ser (NM_016434.4); c.2099T>C, p.Phe700Ser (NM_032957.5); short protein forms F700S, F453S, F676S.
Identifiers: ClinVar variation 2950491 (VCV002950491.3), dbSNP rs2517134549, ClinGen allele CA409678981.

ClinVar aggregate classification (germline): Uncertain significance (1 of 4 stars; one submission).

Conditions:
Dyskeratosis congenita, autosomal recessive 5 (DKCB5). Identifiers: MedGen C3554656, MONDO:0014076, OMIM 615190.
Pulmonary fibrosis and/or bone marrow failure, Telomere-related, 3. Also called: PULMONARY FIBROSIS AND/OR BONE MARROW FAILURE SYNDROME, TELOMERE-RELATED, 3. Identifiers: Orphanet 2032, MedGen C4225346, MONDO:0014613, OMIM 616373.

Submission:

Labcorp Genetics (formerly Invitae), Labcorp
Classification: Uncertain significance for Dyskeratosis congenita, autosomal recessive 5; Pulmonary fibrosis and/or bone marrow failure, Telomere-related, 3. Last evaluated: 2023-08-30. Review status: criteria provided, single submitter. Criteria: Invitae Variant Classification Sherloc (09022015). Collection method: clinical testing. Allele origin: germline.
Comment: This sequence change replaces phenylalanine, which is neutral and non-polar, with serine, which is neutral and polar, at codon 676 of the RTEL1 protein (p.Phe676Ser). In summary, the available evidence is currently insufficient to determine the role of this variant in disease. Therefore, it has been classified as a Variant of Uncertain Significance. An algorithm developed to predict the effect of missense changes on protein structure and function (PolyPhen-2) suggests that this variant is likely to be tolerated. This variant has not been reported in the literature in individuals affected with RTEL1-related conditions. This variant is not present in population databases (gnomAD no frequency).